The following is an entry in ClinVar:

ClinVar aggregate classification (germline): Pathogenic/Likely pathogenic. Review status: criteria provided, multiple submitters, no conflicts (2 of 4 stars). 3 submissions from 3 submitters: Pathogenic (2); Likely pathogenic (1). Last evaluated 2022-06-17.

Conditions:
X-linked Alport syndrome (ATS1). Also called: NEPHROPATHY AND DEAFNESS, X-LINKED; COL4A5-Related Nephropathy. Identifiers: Orphanet 63, Orphanet 88917, MedGen C4746986, MONDO:0010520, OMIM 301050.

Submissions (3):

Labcorp Genetics (formerly Invitae), Labcorp
Classification: Pathogenic. Last evaluated: 2022-06-17. Review status: criteria provided, single submitter. Criteria: Invitae Variant Classification Sherloc (09022015). Collection method: clinical testing. Allele origin: germline.
Comment: A different variant (c.4614G>A) giving rise to the same protein effect has been determined to be pathogenic (PMID: 8940267, 30691124). This suggests that this variant is also likely to be causative of disease. This sequence change creates a premature translational stop signal (p.Trp1538*) in the COL4A5 gene. It is expected to result in an absent or disrupted protein product. Loss-of-function variants in COL4A5 are known to be pathogenic (PMID: 9195222, 10752524, 14514738, 24854265, 26809805). This variant is not present in population databases (gnomAD no frequency). ClinVar contains an entry for this variant (Variation ID: 984067). Algorithms developed to predict the effect of sequence changes on RNA splicing suggest that this variant may disrupt the consensus splice site. For these reasons, this variant has been classified as Pathogenic.

Fulgent Genetics
Classification: Pathogenic for X-linked Alport syndrome. Last evaluated: 2021-10-21. Review status: criteria provided, single submitter. Criteria: ACMG Guidelines, 2015. Collection method: clinical testing. Allele origin: unknown.

Myriad Genetics, Inc.
Classification: Likely pathogenic for X-linked Alport syndrome. Last evaluated: 2019-09-30. Review status: criteria provided, single submitter. Criteria: Myriad Women's Health Autosomal Recessive and X-Linked Classification Criteria (2019). Collection method: clinical testing. Allele origin: unknown.
Comment: NM_000495.4(COL4A5):c.4613G>A(W1538*) is expected to be pathogenic in the context of X-linked Alport syndrome. This variant is predicted to lead to an abnormal or absent protein product due to the creation of a premature termination codon in COL4A5, a gene where loss-of-function variants are known to be pathogenic. Please note: this variant was assessed in the context of healthy population screening.

Literature cited by the submitters: PubMed 8940267 (cited by Labcorp Genetics (formerly Invitae), Labcorp); PubMed 30691124 (cited by Labcorp Genetics (formerly Invitae), Labcorp); PubMed 9195222 (cited by Labcorp Genetics (formerly Invitae), Labcorp); PubMed 10752524 (cited by Labcorp Genetics (formerly Invitae), Labcorp); PubMed 14514738 (cited by Labcorp Genetics (formerly Invitae), Labcorp); PubMed 24854265 (cited by Labcorp Genetics (formerly Invitae), Labcorp); PubMed 26809805 (cited by Labcorp Genetics (formerly Invitae), Labcorp).

NM_033380.3(COL4A5):c.4631G>A (p.Trp1544Ter)

Gene: COL4A5 (collagen type IV alpha 5 chain; plus strand). Cytogenetic location: Xq22.3.
Variant type: single nucleotide variant.
Coding change: c.4631G>A on transcript NM_033380.3 (MANE Select); coding-DNA position 4631, G replaced by A.
Protein change: p.Trp1544Ter; replaces tryptophan 1544 with a stop codon.
Molecular consequence: nonsense.
Genome position (GRCh38, 1-based): chrX:108,692,850, G>A. VCF-style: chrX-108692850-G-A. GRCh37 (hg19) VCF-style: chrX-107936080-G-A.
Other names: c.4613G>A, p.Trp1538Ter (NM_000495.5); short protein forms W1538*, W1544*.
Identifiers: ClinVar variation 984067 (VCV000984067.13), dbSNP rs104886293, ClinGen allele CA334061644.
Genomic context (GRCh38, chrX:108,692,850, plus strand): 5'-TCATGTTCTGCAACATCAATAATGTTTGCAACTTTGCTTCAAGAAATGACTATTCTTACT[G>A]GCTCTCTACCCCAGAGCCCATGCCAATGAGCATGCAACCCCTAAAGGGCCAGAGCATCCA-3'